The following is an entry in ClinVar:

GRCh38/hg38 15q13.3(chr15:31729406-32640605)x3

Genes: ARHGAP11A (Rho GTPase activating protein 11A; plus strand), ARHGAP11A-DT (ARHGAP11A divergent transcript; minus strand), ARHGAP11A-SCG5 (ARHGAP11A-SCG5 readthrough; plus strand), LINC02256 (long intergenic non-protein coding RNA 2256; plus strand), CHRNA7 (cholinergic receptor nicotinic alpha 7 subunit) and 9 more. Cytogenetic location: 15q13.3.
Variant type: copy number gain.
Change: copy number 3 (three copies instead of two) of chr15:31,729,406-32,640,605 (911.2 kb, GRCh38 coordinates, 1-based), cytogenetic band 15q13.3.
Identifiers: ClinVar variation 4796424 (VCV004796424.1).

ClinVar aggregate classification (germline): Uncertain significance (1 of 4 stars; one submission).

Submission:

Medical Genetic Center, Changzhi Maternal and Child Health Care Hospital
Classification: Uncertain significance. Last evaluated: 2025-12-10. Review status: criteria provided, single submitter. Criteria: ACMG/ClinGen CNV Guidelines, 2019. Collection method: clinical testing. Allele origin: unknown.
Comment: 15q13.3 recurrent region (BP4-BP5) (includes CHRNA7) (TI score = 1)